The following is an entry in ClinVar:

ClinVar aggregate classification (germline): Likely benign. Review status: criteria provided, multiple submitters, no conflicts (2 of 4 stars). 4 submissions from 4 submitters: Likely benign (3). 1 of the submissions does not count toward it. Last evaluated 2025-02-13.

Conditions:
COL4A4-related disorder.
Inborn genetic diseases. Identifiers: MedGen C0950123, MeSH D030342.

Allele frequency attached by ClinVar (database versions not stated): gnomAD 0.00001; gnomAD exomes 0.00002 and 0.00006; TOPMed 0.00002; ExAC 0.00007.
gnomAD v4.1: 24 of 1,611,566 alleles (0.0015%); highest among the groups gnomAD compares: East Asian, 0.02%; no homozygotes.

Submissions (4):

Ambry Genetics
Classification: Likely benign for Inborn genetic diseases. Last evaluated: 2025-02-13. Review status: criteria provided, single submitter. Criteria: Ambry Variant Classification Scheme 2023. Collection method: clinical testing. Allele origin: germline.

Labcorp Genetics (formerly Invitae), Labcorp
Classification: Likely benign. Last evaluated: 2024-03-27. Review status: criteria provided, single submitter. Criteria: Invitae Variant Classification Sherloc (09022015). Collection method: clinical testing. Allele origin: germline.

GeneDx
Classification: Likely benign. Last evaluated: 2018-08-23. Review status: criteria provided, single submitter. Criteria: GeneDx Variant Classification Process June 2021. Collection method: clinical testing. Allele origin: germline. Affected: yes.
Comment: See Variant Classification Assertion Criteria.

PreventionGenetics, part of Exact Sciences
Classification: Likely benign for COL4A4-related condition. Last evaluated: 2020-01-10. Review status: no assertion criteria provided. Collection method: clinical testing. Allele origin: germline. Not counted in ClinVar's aggregate classification.
Comment: This variant is classified as likely benign based on ACMG/AMP sequence variant interpretation guidelines (Richards et al. 2015 PMID: 25741868, with internal and published modifications).

NM_000092.5(COL4A4):c.3990G>A (p.Pro1330=)

Gene: COL4A4 (collagen type IV alpha 4 chain; minus strand). Cytogenetic location: 2q36.3.
Variant type: single nucleotide variant.
Coding change: c.3990G>A on transcript NM_000092.5 (MANE Select); coding-DNA position 3990, G replaced by A.
Protein change: p.Pro1330=; no amino-acid change (proline 1330 retained).
Molecular consequence: synonymous variant.
Genome position (GRCh38, 1-based): chr2:227,027,993, C>T on the plus strand (G>A on the coding strand, the complement: COL4A4 is on the minus strand). VCF-style: chr2-227027993-C-T. GRCh37 (hg19) VCF-style: chr2-227892709-C-T.
Identifiers: ClinVar variation 765414 (VCV000765414.14), dbSNP rs62189848, ClinGen allele CA2144354.